The following is an entry in ClinVar:

ClinVar aggregate classification (germline): Pathogenic/Likely pathogenic. Review status: criteria provided, multiple submitters, no conflicts (2 of 4 stars). 3 submissions from 3 submitters: Pathogenic (1); Likely pathogenic (1). 1 of the submissions does not count toward it. Last evaluated 2019-01-09.

Conditions:
Intellectual developmental disorder, autosomal dominant 51. Also called: MENTAL RETARDATION, AUTOSOMAL DOMINANT 51; Intellectual disability, autosomal dominant 51. Identifiers: Orphanet 684226, MedGen C4540474, MONDO:0030917, OMIM 617788.
Neural tube defect (NTD). Also called: Neural tube defects. Identifiers: Orphanet 3388, Orphanet 823, MedGen C0027794, MONDO:0018075, HP:0045005.

Submissions (3):

SIB Swiss Institute of Bioinformatics
Classification: Likely pathogenic for Intellectual developmental disorder, autosomal dominant 51. Last evaluated: 2019-01-09. Review status: criteria provided, single submitter. Criteria: ACMG Guidelines, 2015. Collection method: curation. Allele origin: unknown.
Comment: This variant is interpreted as a Likely pathogenic for Mental retardation, autosomal dominant 51. The following ACMG Tag(s) were applied: PM2 => Absent from controls (or at extremely low frequency if recessive) in Exome Sequencing Project, 1000 Genomes Project, or Exome Aggregation Consortium. PVS1-Moderate => PVS1 downgraded in strength to Moderate. PM6 =>Assumed de novo, but without confirmation of paternity and maternity.

ClinGen:CA381605732

Equipe Genetique des Anomalies du Developpement, Université de Bourgogne
Classification: Pathogenic for Neural tube defect. Review status: criteria provided, single submitter. Criteria: ACMG Guidelines, 2015. Collection method: clinical testing. Allele origin: de novo. Affected: yes.

OMIM
Classification: Pathogenic for INTELLECTUAL DEVELOPMENTAL DISORDER, AUTOSOMAL DOMINANT 51. Last evaluated: 2022-04-27. Review status: no assertion criteria provided. Collection method: literature only. Allele origin: germline. Not counted in ClinVar's aggregate classification.

Literature cited by the submitters: PubMed 29276005 (cited by SIB Swiss Institute of Bioinformatics and OMIM).

NM_017635.5(KMT5B):c.559C>T (p.Arg187Ter)

Gene: KMT5B (lysine methyltransferase 5B; minus strand). Cytogenetic location: 11q13.2.
Variant type: single nucleotide variant.
Coding change: c.559C>T on transcript NM_017635.5 (MANE Select); coding-DNA position 559, C replaced by T.
Protein change: p.Arg187Ter; replaces arginine 187 with a stop codon.
Molecular consequence: nonsense. On other transcripts: 5 prime UTR variant (1), non-coding transcript variant (3).
Genome position (GRCh38, 1-based): chr11:68,173,898, G>A on the plus strand (C>T on the coding strand, the complement: KMT5B is on the minus strand). VCF-style: chr11-68173898-G-A. GRCh37 (hg19) VCF-style: chr11-67941365-G-A.
Other names: c.43C>T, p.Arg15Ter (NM_001300907.1, NM_001369424.1, NM_001369428.1 and 5 more transcripts); c.-109C>T (NM_001300908.2); c.490C>T, p.Arg164Ter (NM_001300909.2); c.559C>T, p.Arg187Ter (NM_001363566.2, NM_001369426.1, NM_001369427.1 and 1 more transcripts); c.346C>T, p.Arg116Ter (NM_001369425.1); short protein forms R187*, R116*, R15*, R164*.
Identifiers: ClinVar variation 560606 (VCV000560606.4), dbSNP rs114727354, ClinGen allele CA381605732.